The following is an entry in ClinVar:

ClinVar aggregate classification (germline): Likely pathogenic (1 of 4 stars; one submission).

Conditions:
PHEX-related disorder. Also called: PHEX-related condition.

Submission:

PreventionGenetics, part of Exact Sciences
Classification: Likely pathogenic for PHEX-related condition. Last evaluated: 2026-07-05. Review status: criteria provided, single submitter. Criteria: ACMG Guidelines, 2015. Collection method: clinical testing. Allele origin: germline.
Comment: The PHEX c.1263_1264dupGT variant is predicted to result in a frameshift and premature protein termination (p.Phe422Cysfs*3). To our knowledge, this variant has not been reported in the literature or in a large population database (gnomAD), indicating this variant is rare. Frameshift variants in PHEX are expected to be pathogenic. This variant is interpreted as likely pathogenic.

NM_000444.6(PHEX):c.1263_1264dup (p.Phe422fs)

Gene: PHEX (phosphate regulating endopeptidase X-linked; plus strand). Cytogenetic location: Xp22.11.
Variant type: Duplication.
Coding change: c.1263_1264dup on transcript NM_000444.6 (MANE Select); coding-DNA positions 1263 to 1264, 2 bases duplicated (GT; older notation c.1263_1264dupGT).
Protein change: p.Phe422fs; shifts the reading frame from phenylalanine 422.
Molecular consequence: frameshift variant.
Genome position (GRCh38, 1-based): chrX:22,114,547-22,114,548, GT duplicated; duplicating any 2 consecutive bases within chrX:22,114,546-22,114,548 gives the same sequence; the c. name uses the placement nearest the transcript's 3' end. VCF-style (leftmost placement, unchanged base first): chrX-22114545-A-ATG. GRCh37 (hg19) VCF-style: chrX-22132663-A-ATG.
Other names: c.1263_1264dup, p.Phe422fs (NM_001282754.2); short protein forms F422fs.
Identifiers: ClinVar variation 4993727 (VCV004993727.1).
Genomic context (GRCh38, chrX:22,114,545, plus strand): 5'-CCTCAATGGGACAAATGTGTAAACTTTATTGAAAGTGCCCTCCCTTATGTTGTTGGAAAG[A>ATG]TGTTTGTAGATGTGTACTTCCAGGAAGATAAGAAGGAAATGGTAAGTGGTACTCCCCAGC-3'